The following is an entry in ClinVar:

NM_201384.3(PLEC):c.7162C>T (p.Arg2388Cys)

Gene: PLEC (plectin; minus strand). Cytogenetic location: 8q24.3.
Variant type: single nucleotide variant.
Coding change: c.7162C>T on transcript NM_201384.3 (MANE Select); coding-DNA position 7162, C replaced by T.
Protein change: p.Arg2388Cys; replaces arginine 2388 with cysteine.
Molecular consequence: missense variant.
Genome position (GRCh38, 1-based): chr8:143,922,767, G>A on the plus strand (C>T on the coding strand, the complement: PLEC is on the minus strand). VCF-style: chr8-143922767-G-A. GRCh37 (hg19) VCF-style: chr8-144996935-G-A.
Other names: c.7243C>T (NM_000445.3); c.7096C>T, p.Arg2366Cys (NM_201379.3); c.7573C>T, p.Arg2525Cys (NM_201380.4); c.7066C>T, p.Arg2356Cys (NM_201381.3); c.7162C>T, p.Arg2388Cys (NM_201382.4); c.7174C>T, p.Arg2392Cys (NM_201383.3); c.7243C>T, p.Arg2415Cys (NM_000445.5); c.7120C>T, p.Arg2374Cys (NM_201378.4); short protein forms R2356C, R2366C, R2374C, R2388C, R2392C, R2415C, R2525C.
Identifiers: ClinVar variation 1020071 (VCV001020071.8), dbSNP rs561405725, ClinGen allele CA4925741.

ClinVar aggregate classification (germline): Uncertain significance. Review status: criteria provided, multiple submitters, no conflicts (2 of 4 stars). 3 submissions from 3 submitters: Uncertain significance (3). Last evaluated 2025-02-13.

Conditions:
Epidermolysis bullosa simplex with nail dystrophy (EBS5D). Identifiers: MedGen C4225309, MONDO:0014661, OMIM 616487.
Epidermolysis bullosa simplex 5B, with muscular dystrophy (EBS5B). Also called: EPIDERMOLYSIS BULLOSA SIMPLEX AND LIMB-GIRDLE MUSCULAR DYSTROPHY; Epidermolysis bullosa simplex with muscular dystrophy. Identifiers: Orphanet 257, MedGen C2931072, MONDO:0009181, OMIM 226670.
Epidermolysis bullosa simplex, Ogna type (EBS5A). Also called: Pidermolysis bullosa simplex 5A, Ogna type; EPIDERMOLYSIS BULLOSA SIMPLEX 5A, OGNA TYPE. Identifiers: Orphanet 79401, MedGen C0432317, MONDO:0007555, OMIM 131950.
Epidermolysis bullosa simplex 5C, with pyloric atresia (EBS5C). Also called: PLEC-Related Epidermolysis Bullosa with Pyloric Atresia; Epidermolysis bullosa simplex with pyloric atresia; PLEC1-Related Epidermolysis Bullosa with Pyloric Atresia. Identifiers: Orphanet 158684, MedGen C2677349, MONDO:0012807, OMIM 612138.
Autosomal recessive limb-girdle muscular dystrophy type 2Q (LGMDR17). Also called: MUSCULAR DYSTROPHY, LIMB-GIRDLE, AUTOSOMAL RECESSIVE 17. Identifiers: Orphanet 254361, MedGen C3150989, MONDO:0013390, OMIM 613723.
Inborn genetic diseases. Identifiers: MedGen C0950123, MeSH D030342.

Allele frequency attached by ClinVar (database versions not stated): gnomAD 0.00001; gnomAD exomes 0.00002 and 0.00003; TOPMed 0.00003; ExAC 0.00005; 1000 Genomes Project 30x 0.00016; 1000 Genomes Project 0.00020.
gnomAD v4.1: 39 of 1,605,664 alleles (0.0024%); highest among the groups gnomAD compares: Middle Eastern, 0.019%; no homozygotes.

Submissions (3):

Ambry Genetics
Classification: Uncertain significance for Inborn genetic diseases. Last evaluated: 2025-02-13. Review status: criteria provided, single submitter. Criteria: Ambry Variant Classification Scheme 2023. Collection method: clinical testing. Allele origin: germline.

Labcorp Genetics (formerly Invitae), Labcorp
Classification: Uncertain significance for Autosomal recessive limb-girdle muscular dystrophy type 2Q; Epidermolysis bullosa simplex, Ogna type; Epidermolysis bullosa simplex with nail dystrophy; Epidermolysis bullosa simplex 5C, with pyloric atresia; Epidermolysis bullosa simplex 5B, with muscular dystrophy. Last evaluated: 2023-11-06. Review status: criteria provided, single submitter. Criteria: Invitae Variant Classification Sherloc (09022015). Collection method: clinical testing. Allele origin: germline.
Comment: This sequence change replaces arginine, which is basic and polar, with cysteine, which is neutral and slightly polar, at codon 2415 of the PLEC protein (p.Arg2415Cys). This variant is present in population databases (rs561405725, gnomAD 0.004%). This variant has not been reported in the literature in individuals affected with PLEC-related conditions. ClinVar contains an entry for this variant (Variation ID: 1020071). An algorithm developed to predict the effect of missense changes on protein structure and function (PolyPhen-2) suggests that this variant is likely to be disruptive. In summary, the available evidence is currently insufficient to determine the role of this variant in disease. Therefore, it has been classified as a Variant of Uncertain Significance.

Revvity Omics, Revvity
Classification: Uncertain significance. Last evaluated: 2023-03-29. Review status: criteria provided, single submitter. Criteria: ACMG Guidelines, 2015. Collection method: clinical testing. Allele origin: germline.